The following is an entry in ClinVar:

ClinVar aggregate classification (germline): Conflicting classifications of pathogenicity. Review status: criteria provided, conflicting classifications (1 of 4 stars). 7 submissions from 7 submitters: Uncertain significance (6); Likely benign (1). Last evaluated 2025-11-16.

Conditions:
Neurofibromatosis, type 2 (SWNV). Also called: NF2-Related Schwannomatosis; BILATERAL ACOUSTIC NEUROFIBROMATOSIS; SCHWANNOMATOSIS, VESTIBULAR. Identifiers: Orphanet 637, MedGen C0027832, MONDO:0007039, OMIM 101000. Disease mechanism: loss of function.
Familial meningioma. Also called: Meningioma, familial, susceptibility to. Identifiers: Orphanet 263662, MedGen C3551915, MONDO:0011789, OMIM 607174.
Hereditary cancer-predisposing syndrome. Also called: Tumor predisposition; Neoplastic Syndromes, Hereditary; Hereditary neoplastic syndrome; Hereditary Cancer Syndrome. Identifiers: Orphanet 140162, MedGen C0027672, MeSH D009386, MONDO:0015356.

Allele frequency attached by ClinVar (database versions not stated): gnomAD exomes below 0.00001 and 0.00001; gnomAD 0.00001; TOPMed 0.00001.

Submissions (7):

Labcorp Genetics (formerly Invitae), Labcorp
Classification: Likely benign for Neurofibromatosis, type 2. Last evaluated: 2025-11-16. Review status: criteria provided, single submitter. Criteria: Invitae Variant Classification Sherloc (09022015). Collection method: clinical testing. Allele origin: germline.

Ambry Genetics
Classification: Uncertain significance for Hereditary cancer-predisposing syndrome. Last evaluated: 2025-02-17. Review status: criteria provided, single submitter. Criteria: Ambry Variant Classification Scheme 2023. Collection method: clinical testing. Allele origin: germline.
Comment: The p.A238V variant (also known as c.713C>T), located in coding exon 8 of the NF2 gene, results from a C to T substitution at nucleotide position 713. The alanine at codon 238 is replaced by valine, an amino acid with similar properties. This alteration has been reported in an individual with hepatocellular carcinoma (Yoo NJ et al. Pathology, 2012 Jan;44:29-32). This amino acid position is highly conserved in available vertebrate species. In addition, this alteration is predicted to be deleterious by in silico analysis. Since supporting evidence is limited at this time, the clinical significance of this alteration remains unclear.

Fulgent Genetics
Classification: Uncertain significance for Neurofibromatosis, type 2; Familial meningioma. Last evaluated: 2024-06-14. Review status: criteria provided, single submitter. Criteria: ACMG Guidelines, 2015. Collection method: clinical testing. Allele origin: germline.

GeneDx
Classification: Uncertain significance. Last evaluated: 2023-12-14. Review status: criteria provided, single submitter. Criteria: GeneDx Variant Classification Process June 2021. Collection method: clinical testing. Allele origin: germline. Affected: yes.
Comment: In silico analysis supports that this missense variant has a deleterious effect on protein structure/function; Has not been previously published as pathogenic or benign to our knowledge; This variant is associated with the following publications: (PMID: 22081132, 11756419, 16324214)

All of Us Research Program, National Institutes of Health
Classification: Uncertain significance for Neurofibromatosis, type 2. Last evaluated: 2023-11-28. Review status: criteria provided, single submitter. Criteria: ACMG Guidelines, 2015. Collection method: clinical testing. Allele origin: germline. Inheritance: Autosomal dominant inheritance. Observed: 4 variant alleles, 4 heterozygotes.
Comment: This missense variant replaces alanine with valine at codon 238 of the NF2 protein. Computational prediction suggests that this variant may have deleterious impact on protein structure and function (internally defined REVEL score threshold >= 0.7, PMID: 27666373). To our knowledge, functional studies have not been reported for this variant. This variant has been reported in one individual affected with hepatocellular carcinoma (PMID: 22081132). This variant has been identified in 1/251472 chromosomes in the general population by the Genome Aggregation Database (gnomAD). The available evidence is insufficient to determine the role of this variant in disease conclusively. Therefore, this variant is classified as a Variant of Uncertain Significance.

This study involves interpretation of variants in research participants for the purpose of population health screening. Participant phenotype was not available at the time of variant classification. Additional details can be found in publication PMID: 35346344, PMCID: PMC8962531

Baylor Genetics
Classification: Uncertain significance for Familial meningioma. Last evaluated: 2023-05-28. Review status: criteria provided, single submitter. Criteria: ACMG Guidelines, 2015. Collection method: clinical testing. Allele origin: unknown.

Genome-Nilou Lab
Classification: Uncertain significance for Neurofibromatosis, type 2. Last evaluated: 2021-11-07. Review status: criteria provided, single submitter. Criteria: ACMG Guidelines, 2015. Collection method: clinical testing. Allele origin: germline. Affected: no.

Literature cited by the submitters: PubMed 22081132 (cited by Ambry Genetics and All of Us Research Program, National Institutes of Health).

NM_000268.4(NF2):c.713C>T (p.Ala238Val)

Gene: NF2 (NF2, moesin-ezrin-radixin like (MERLIN) tumor suppressor; plus strand). Cytogenetic location: 22q12.2.
Variant type: single nucleotide variant.
Coding change: c.713C>T on transcript NM_000268.4 (MANE Select); coding-DNA position 713, C replaced by T.
Protein change: p.Ala238Val; replaces alanine 238 with valine.
Molecular consequence: missense variant. On other transcripts: non-coding transcript variant (1), intron variant (1).
Genome position (GRCh38, 1-based): chr22:29,661,242, C>T. VCF-style: chr22-29661242-C-T. GRCh37 (hg19) VCF-style: chr22-30057231-C-T.
Other names: c.713C>T, p.Ala238Val (NM_016418.5, NM_181825.3, NM_181832.3); c.587C>T, p.Ala196Val (NM_181828.3); c.590C>T, p.Ala197Val (NM_181829.3); c.464C>T, p.Ala155Val (NM_181830.3, NM_181831.3); c.447+18957C>T (NM_181833.3); short protein forms A238V, A155V, A197V, A196V.
Identifiers: ClinVar variation 578288 (VCV000578288.23), dbSNP rs761195572, ClinGen allele CA323111825.